The following is an entry in ClinVar:

ClinVar aggregate classification (germline): Uncertain significance. Review status: criteria provided, single submitter (1 of 4 stars). 2 submissions from 2 submitters: Uncertain significance (1). 1 of the submissions does not count toward it. Last evaluated 2025-09-26.

Conditions:
Cystic fibrosis (CF). Also called: MUCOVISCIDOSIS. Identifiers: Orphanet 586, MedGen C0010674, MONDO:0009061, OMIM 219700. Disease mechanism: loss of function.

Allele frequency attached by ClinVar (database versions not stated): gnomAD below 0.00001 and 0.00001; 1000 Genomes Project 0.00020; gnomAD exomes below 0.00001; ExAC 0.00001; 1000 Genomes Project 30x 0.00016.
gnomAD v4.1: 8 of 1,613,898 alleles (0.0005%); highest among the groups gnomAD compares: South Asian, 0.0088%; no homozygotes.

Submissions (2):

Women's Health and Genetics/Laboratory Corporation of America, LabCorp
Classification: Uncertain significance. Last evaluated: 2025-09-26. Review status: criteria provided, single submitter. Criteria: LabCorp Variant Classification Summary - May 2015. Collection method: clinical testing. Allele origin: germline.
Comment: Variant summary: CFTR c.1067G>C (p.Trp356Ser) results in a non-conservative amino acid change in the encoded protein sequence. Algorithms developed to predict the effect of missense changes on protein structure and function are either unavailable or do not agree on the potential impact of this missense change. The frequency data for this variant in gnomAD is considered unreliable, as metrics indicate poor data quality at this position. To our knowledge, no occurrence of c.1067G>C in individuals affected with CFTR-related conditions and no experimental evidence demonstrating its impact on protein function have been reported. ClinVar contains an entry for this variant (Variation ID: 554722). Based on the evidence outlined above, the variant was classified as uncertain significance.

Counsyl
Classification: Uncertain significance for Cystic fibrosis. Last evaluated: 2017-11-02. Review status: no assertion criteria provided. Collection method: clinical testing. Allele origin: unknown. Not counted in ClinVar's aggregate classification.

NM_000492.4(CFTR):c.1067G>C (p.Trp356Ser)

Gene: CFTR (CF transmembrane conductance regulator; plus strand). Cytogenetic location: 7q31.2.
Variant type: single nucleotide variant.
Coding change: c.1067G>C on transcript NM_000492.4 (MANE Select); coding-DNA position 1067, G replaced by C.
Protein change: p.Trp356Ser; replaces tryptophan 356 with serine.
Molecular consequence: missense variant.
Genome position (GRCh38, 1-based): chr7:117,540,297, G>C. VCF-style: chr7-117540297-G-C. GRCh37 (hg19) VCF-style: chr7-117180351-G-C.
Other names: short protein forms W356S.
Identifiers: ClinVar variation 554722 (VCV000554722.4), dbSNP rs573808767, ClinGen allele CA4450885.